The following is an entry in ClinVar:

NM_001606.5(ABCA2):c.7164C>T (p.Leu2388=)

Gene: ABCA2 (ATP binding cassette subfamily A member 2; minus strand). Cytogenetic location: 9q34.3.
Variant type: single nucleotide variant.
Coding change: c.7164C>T on transcript NM_001606.5 (MANE Select); coding-DNA position 7164, C replaced by T.
Protein change: p.Leu2388=; no amino-acid change (leucine 2388 retained).
Molecular consequence: synonymous variant.
Genome position (GRCh38, 1-based): chr9:137,008,527, G>A on the plus strand (C>T on the coding strand, the complement: ABCA2 is on the minus strand). VCF-style: chr9-137008527-G-A. GRCh37 (hg19) VCF-style: chr9-139902979-G-A.
Other names: c.7161C>T, p.Leu2387= (NM_001411042.1); c.7254C>T, p.Leu2418= (NM_212533.3).
Identifiers: ClinVar variation 3058730 (VCV003058730.2), dbSNP rs766516205, ClinGen allele CA5353270.
Genomic context (GRCh38, chr9:137,008,527, plus strand): 5'-GGGCTCGTCTGCCACAAGTGCCCGGAGCTCCGTGGGGGCAGACCGGGGCCGGAGCAGGCT[G>A]AGCAAGCAGCCGAGAGGGGACTGCAGTGCGGATGGCGGCTCCGTCTCCTGCTGCTCCAGG-3'
Protein context (NP_001597.2, residues 2378-2398): SALQSPLGCL[Leu2388=]SLLRPRSAPT

ClinVar aggregate classification (germline): Likely benign (0 of 4 stars; one submission).

Conditions:
ABCA2-related disorder. Also called: ABCA2-related condition.

Allele frequency attached by ClinVar (database versions not stated): gnomAD exomes 0.00002; gnomAD 0.00004; TOPMed 0.00005; ExAC 0.00009.
gnomAD v4.1: 36 of 1,598,560 alleles (0.0023%); highest among the groups gnomAD compares: Non-Finnish European, 0.0027%; no homozygotes.

Submission:

PreventionGenetics, part of Exact Sciences
Classification: Likely benign for ABCA2-related condition. Last evaluated: 2019-03-05. Review status: no assertion criteria provided. Collection method: clinical testing. Allele origin: germline.
Comment: This variant is classified as likely benign based on ACMG/AMP sequence variant interpretation guidelines (Richards et al. 2015 PMID: 25741868, with internal and published modifications).